The following is an entry in ClinVar:

ClinVar aggregate classification (germline): Uncertain significance. Review status: criteria provided, single submitter (1 of 4 stars). 2 submissions from 2 submitters: Uncertain significance (1). 1 of the submissions does not count toward it. Last evaluated 2025-02-22.

Conditions:
CACNA1A-related disorder. Also called: CACNA1A-related condition.
Episodic ataxia type 2 (EA2). Also called: CEREBELLAR ATAXIA, PAROXYSMAL, ACETAZOLAMIDE-RESPONSIVE; CEREBELLOPATHY, HEREDITARY PAROXYSMAL; EPISODIC ATAXIA, NYSTAGMUS-ASSOCIATED; ACETAZOLAMIDE-RESPONSIVE HEREDITARY PAROXYSMAL CEREBELLAR ATAXIA; ATAXIA, EPISODIC, WITH NYSTAGMUS; ATAXIA, FAMILIAL PAROXYSMAL. Identifiers: Orphanet 97, MedGen C1720416, MONDO:0007163, OMIM 108500.
Developmental and epileptic encephalopathy, 42 (DEE42A). Also called: Epileptic encephalopathy, early infantile, 42; DEVELOPMENTAL AND EPILEPTIC ENCEPHALOPATHY 42A; EPILEPTIC ENCEPHALOPATHY, EARLY INFANTILE, 42A. Identifiers: MedGen C4310716, MONDO:0014917, OMIM 617106.

Allele frequency attached by ClinVar (database versions not stated): TOPMed below 0.00001.

Submissions (2):

Labcorp Genetics (formerly Invitae), Labcorp
Classification: Uncertain significance for Developmental and epileptic encephalopathy, 42; Episodic ataxia type 2. Last evaluated: 2025-02-22. Review status: criteria provided, single submitter. Criteria: Invitae Variant Classification Sherloc (09022015). Collection method: clinical testing. Allele origin: germline.
Comment: This sequence change replaces glycine, which is neutral and non-polar, with arginine, which is basic and polar, at codon 34 of the CACNA1A protein (p.Gly34Arg). This variant is not present in population databases (gnomAD no frequency). This variant has not been reported in the literature in individuals affected with CACNA1A-related conditions. ClinVar contains an entry for this variant (Variation ID: 2938796). Invitae Evidence Modeling of protein sequence and biophysical properties (such as structural, functional, and spatial information, amino acid conservation, physicochemical variation, residue mobility, and thermodynamic stability) has been performed for this missense variant. However, the output from this modeling did not meet the statistical confidence thresholds required to predict the impact of this variant on CACNA1A protein function. In summary, the available evidence is currently insufficient to determine the role of this variant in disease. Therefore, it has been classified as a Variant of Uncertain Significance.

PreventionGenetics, part of Exact Sciences
Classification: Uncertain significance for CACNA1A-related condition. Last evaluated: 2024-06-07. Review status: no assertion criteria provided. Collection method: clinical testing. Allele origin: germline. Not counted in ClinVar's aggregate classification.
Comment: The CACNA1A c.100G>C variant is predicted to result in the amino acid substitution p.Gly34Arg. To our knowledge, this variant has not been reported in the literature or in a large population database, indicating this variant is rare. At this time, the clinical significance of this variant is uncertain due to the absence of conclusive functional and genetic evidence.

NM_001127222.2(CACNA1A):c.100G>C (p.Gly34Arg)

Gene: CACNA1A (calcium voltage-gated channel subunit alpha1 A; minus strand). Cytogenetic location: 19p13.13.
Variant type: single nucleotide variant.
Coding change: c.100G>C on transcript NM_001127222.2 (MANE Select); coding-DNA position 100, G replaced by C.
Protein change: p.Gly34Arg; replaces glycine 34 with arginine.
Molecular consequence: missense variant.
Genome position (GRCh38, 1-based): chr19:13,506,125, C>G on the plus strand (G>C on the coding strand, the complement: CACNA1A is on the minus strand). VCF-style: chr19-13506125-C-G. GRCh37 (hg19) VCF-style: chr19-13616939-C-G.
Other names: c.100G>C (NM_001127222.1); c.100G>C, p.Gly34Arg (NM_000068.4, NM_001127221.2, NM_001174080.2 and 1 more transcripts); short protein forms G34R.
Identifiers: ClinVar variation 2938796 (VCV002938796.4), dbSNP rs1402827595, ClinGen allele CA404971211.
Genomic context (GRCh38, chr19:13,506,125, plus strand): 5'-GCGCCATTGACTGCTTGTACATCCTTTGCGCCCCGGGCTGCCCGCCCTGCCGGCTGCCCC[C>G]GGCTCCTCGCCCGCCTCCGCTGCCCACGACCACCCCGGCGGCTGCCCCGGAGCCTCCTCC-3'
Protein context (NP_001120694.1, residues 24-44): VVGSGGGRGA[Gly34Arg]GSRQGGQPGA